The following is an entry in ClinVar:

NC_000019.10:g.55947697G>A

Gene: NLRP8 (NLR family pyrin domain containing 8; plus strand). Cytogenetic location: 19q13.43.
Variant type: single nucleotide variant.
Genome position: GRCh38 VCF-style: chr19-55947697-G-A. GRCh37 (hg19) VCF-style: chr19-56459063-G-A.
Identifiers: ClinVar variation 102984 (VCV000102984.2), dbSNP rs199475832, ClinGen allele CA229950.

ClinVar aggregate classification (germline): not provided (0 of 4 stars; one submission).

Allele frequency attached by ClinVar (database versions not stated): gnomAD 0.00001 and 0.00002; TOPMed 0.00005.

Submission:

Human Evolutionary Genetics, Institut Pasteur
No classification provided. Review status: no classification provided. Collection method: not provided. Allele origin: germline.
ClinVar note: Converted during submission from untested to not provided.